The following is an entry in ClinVar:

ClinVar aggregate classification (germline): Uncertain significance (1 of 4 stars; one submission).

Conditions:
Hereditary cancer-predisposing syndrome. Also called: Neoplastic Syndromes, Hereditary; Tumor predisposition; Hereditary neoplastic syndrome; Hereditary Cancer Syndrome. Identifiers: Orphanet 140162, MedGen C0027672, MeSH D009386, MONDO:0015356.

Submission:

Ambry Genetics
Classification: Uncertain significance for Hereditary cancer-predisposing syndrome. Last evaluated: 2026-08-21. Review status: criteria provided, single submitter. Criteria: Ambry Variant Classification Scheme 2023. Collection method: clinical testing. Allele origin: germline.
Comment: The p.H408Y variant (also known as c.1222C>T), located in coding exon 9 of the PTCH1 gene, results from a C to T substitution at nucleotide position 1222. The histidine at codon 408 is replaced by tyrosine, an amino acid with similar properties. This amino acid position is conserved. In addition, the in silico prediction for this alteration is inconclusive. Based on the available evidence, the clinical significance of this variant remains unclear.

NM_000264.5(PTCH1):c.1222C>T (p.His408Tyr)

Gene: PTCH1 (patched 1; minus strand). Cytogenetic location: 9q22.32.
Variant type: single nucleotide variant.
Coding change: c.1222C>T on transcript NM_000264.5 (MANE Select); coding-DNA position 1222, C replaced by T.
Protein change: p.His408Tyr; replaces histidine 408 with tyrosine.
Molecular consequence: missense variant. On other transcripts: non-coding transcript variant (1).
Genome position (GRCh38, 1-based): chr9:95,478,180, G>A on the plus strand (C>T on the coding strand, the complement: PTCH1 is on the minus strand). VCF-style: chr9-95478180-G-A. GRCh37 (hg19) VCF-style: chr9-98240462-G-A.
Other names: c.769C>T, p.His257Tyr (NM_001083607.3, NM_001083604.3, NM_001083605.3 and 1 more transcripts); c.1222C>T, p.His408Tyr (NM_001354918.2); c.1024C>T, p.His342Tyr (NM_001083602.3); c.1219C>T, p.His407Tyr (NM_001083603.3); short protein forms H257Y, H342Y, H407Y, H408Y.
Identifiers: ClinVar variation 5027550 (VCV005027550.1).